The following is an entry in ClinVar:

ClinVar aggregate classification (germline): Likely benign (0 of 4 stars; one submission).

Conditions:
DNAH17-related disorder. Also called: DNAH17-related condition.

Allele frequency attached by ClinVar (database versions not stated): ExAC 0.00005; gnomAD exomes 0.00006; TOPMed 0.00006; ESP Exome Variant Server 0.00008; gnomAD 0.00008.
gnomAD v4.1: 103 of 1,613,982 alleles (0.0064%); highest among the groups gnomAD compares: Middle Eastern, 0.33%; no homozygotes.

Submission:

PreventionGenetics, part of Exact Sciences
Classification: Likely benign for DNAH17-related condition. Last evaluated: 2019-09-18. Review status: no assertion criteria provided. Collection method: clinical testing. Allele origin: germline.
Comment: This variant is classified as likely benign based on ACMG/AMP sequence variant interpretation guidelines (Richards et al. 2015 PMID: 25741868, with internal and published modifications).

NM_173628.4(DNAH17):c.2385T>C (p.Ala795=)

Gene: DNAH17 (dynein axonemal heavy chain 17; minus strand). Cytogenetic location: 17q25.3.
Variant type: single nucleotide variant.
Coding change: c.2385T>C on transcript NM_173628.4 (MANE Select); coding-DNA position 2385, T replaced by C.
Protein change: p.Ala795=; no amino-acid change (alanine 795 retained).
Molecular consequence: synonymous variant.
Genome position (GRCh38, 1-based): chr17:78,551,541, A>G on the plus strand (T>C on the coding strand, the complement: DNAH17 is on the minus strand). VCF-style: chr17-78551541-A-G. GRCh37 (hg19) VCF-style: chr17-76547623-A-G.
Identifiers: ClinVar variation 3040723 (VCV003040723.2), dbSNP rs375068292, ClinGen allele CA8804746.